The following is an entry in ClinVar:

NM_001966.4(EHHADH):c.586C>T (p.Arg196Cys)

Gene: EHHADH (enoyl-CoA hydratase and 3-hydroxyacyl CoA dehydrogenase; minus strand). Cytogenetic location: 3q27.2.
Variant type: single nucleotide variant.
Coding change: c.586C>T on transcript NM_001966.4 (MANE Select); coding-DNA position 586, C replaced by T.
Protein change: p.Arg196Cys; replaces arginine 196 with cysteine.
Molecular consequence: missense variant.
Genome position (GRCh38, 1-based): chr3:185,204,740, G>A on the plus strand (C>T on the coding strand, the complement: EHHADH is on the minus strand). VCF-style: chr3-185204740-G-A. GRCh37 (hg19) VCF-style: chr3-184922528-G-A.
Other names: c.298C>T, p.Arg100Cys (NM_001166415.2); short protein forms R100C, R196C.
Identifiers: ClinVar variation 2371527 (VCV002371527.3), dbSNP rs202051821, ClinGen allele CA2739169.

ClinVar aggregate classification (germline): Uncertain significance. Review status: criteria provided, multiple submitters, no conflicts (2 of 4 stars). 2 submissions from 2 submitters: Uncertain significance (2). Last evaluated 2025-07-14.

Conditions:
EHHADH-related disorder. Also called: EHHADH-related condition.

Allele frequency attached by ClinVar (database versions not stated): ESP Exome Variant Server 0.00015.
gnomAD v4.1: 68 of 1,607,608 alleles (0.0042%); highest among the groups gnomAD compares: Middle Eastern, 0.017%; no homozygotes.

Submissions (2):

PreventionGenetics, part of Exact Sciences
Classification: Uncertain significance for EHHADH-related condition. Last evaluated: 2025-07-14. Review status: criteria provided, single submitter. Criteria: ACMG Guidelines, 2015. Collection method: clinical testing. Allele origin: germline.
Comment: The EHHADH c.586C>T variant is predicted to result in the amino acid substitution p.Arg196Cys. To our knowledge, this variant has not been reported in the literature. This variant is reported in 0.0099% of alleles in individuals of Ashkenazi Jewish descent in gnomAD. At this time, the clinical significance of this variant is uncertain due to the absence of conclusive functional and genetic evidence.

Ambry Genetics
Classification: Uncertain significance. Last evaluated: 2022-09-06. Review status: criteria provided, single submitter. Criteria: Ambry Variant Classification Scheme 2023. Collection method: clinical testing. Allele origin: germline.